The following is an entry in ClinVar:

NM_001355436.2(SPTB):c.6496C>G (p.Pro2166Ala)

Gene: SPTB (spectrin beta, erythrocytic; minus strand). Cytogenetic location: 14q23.3.
Variant type: single nucleotide variant.
Coding change: c.6496C>G on transcript NM_001355436.2 (MANE Select); coding-DNA position 6496, C replaced by G.
Protein change: p.Pro2166Ala; replaces proline 2166 with alanine.
Molecular consequence: missense variant.
Genome position (GRCh38, 1-based): chr14:64,753,643, G>C on the plus strand (C>G on the coding strand, the complement: SPTB is on the minus strand). VCF-style: chr14-64753643-G-C. GRCh37 (hg19) VCF-style: chr14-65220361-G-C.
Other names: p.Pro2166Ala; c.6496C>G, p.Pro2166Ala (NM_001024858.4); c.6496C>G (NM_001024858.2); short protein forms P2166A.
Identifiers: ClinVar variation 1694100 (VCV001694100.12), dbSNP rs144051169, ClinGen allele CA7229549.
Genomic context (GRCh38, chr14:64,753,643, plus strand): 5'-CCAGGTAGCCTTCCATCTGCACACTCTGCCCATGGTCCCGCGGGGCCGGCAGCGTTGCGG[G>C]CTCATCACCCTCGCTCAGAGGCGTATCTAGGACCTTAAAGAGGGGCTCCGTGGTGGGCCT-3'
Protein context (NP_001342365.1, residues 2156-2176): LDTPLSEGDE[Pro2166Ala]ATLPAPRDHG

ClinVar aggregate classification (germline): Uncertain significance. Review status: criteria provided, multiple submitters, no conflicts (2 of 4 stars). 3 submissions from 3 submitters: Uncertain significance (2). 1 of the submissions does not count toward it. Last evaluated 2025-07-18.

Conditions:
Inborn genetic diseases. Identifiers: MedGen C0950123, MeSH D030342.
SPTB-related disorder. Also called: SPTB-related condition; SPTB-Related Disorders.

Allele frequency attached by ClinVar (database versions not stated): TOPMed 0.00120; gnomAD 0.00131 and 0.00136; ESP Exome Variant Server 0.00138; 1000 Genomes Project 0.00240; 1000 Genomes Project 30x 0.00250.
gnomAD v4.1: 366 of 1,613,672 alleles (0.023%); highest among the groups gnomAD compares: African/African-American, 0.43%; no homozygotes.

Submissions (3):

Mayo Clinic Laboratories, Mayo Clinic
Classification: Uncertain significance. Last evaluated: 2025-07-18. Review status: criteria provided, single submitter. Criteria: ACMG Guidelines, 2015. Collection method: clinical testing. Allele origin: germline. Observed: 4 variant alleles.
Comment: BP4_moderate

Ambry Genetics
Classification: Uncertain significance for Inborn genetic diseases. Last evaluated: 2024-06-10. Review status: criteria provided, single submitter. Criteria: Ambry Variant Classification Scheme 2023. Collection method: clinical testing. Allele origin: germline.

PreventionGenetics, part of Exact Sciences
Classification: Likely benign for SPTB-related condition. Last evaluated: 2022-02-13. Review status: no assertion criteria provided. Collection method: clinical testing. Allele origin: germline. Not counted in ClinVar's aggregate classification.
Comment: This variant is classified as likely benign based on ACMG/AMP sequence variant interpretation guidelines (Richards et al. 2015 PMID: 25741868, with internal and published modifications).